The following is an entry in ClinVar:

NM_020751.3(COG6):c.1904T>C (p.Ile635Thr)

Gene: COG6 (component of oligomeric golgi complex 6; plus strand). Cytogenetic location: 13q14.11.
Variant type: single nucleotide variant.
Coding change: c.1904T>C on transcript NM_020751.3 (MANE Select); coding-DNA position 1904, T replaced by C.
Protein change: p.Ile635Thr; replaces isoleucine 635 with threonine.
Molecular consequence: missense variant. On other transcripts: non-coding transcript variant (1), intron variant (1).
Genome position (GRCh38, 1-based): chr13:39,751,023, T>C. VCF-style: chr13-39751023-T-C. GRCh37 (hg19) VCF-style: chr13-40325160-T-C.
Other names: c.1826+23475T>C (NM_001145079.2); short protein forms I635T.
Identifiers: ClinVar variation 1693457 (VCV001693457.5), dbSNP rs199625949, ClinGen allele CA6958842.
Genomic context (GRCh38, chr13:39,751,023, plus strand): 5'-AATCTACAGAATTAGTCTGCAGAGCCTATGGTGAAGTGTATGCAGCCGTGATGAATCCAA[T>C]CAATGAATACAAAGATCCAGAGAACATTCTTCACCGATCGCCGCAGCAAGTGCAGACGCT-3'
Protein context (NP_065802.1, residues 625-645): GEVYAAVMNP[Ile635Thr]NEYKDPENIL

ClinVar aggregate classification (germline): Uncertain significance. Review status: criteria provided, multiple submitters, no conflicts (2 of 4 stars). 2 submissions from 2 submitters: Uncertain significance (2). Last evaluated 2022-08-06.

Conditions:
Inborn genetic diseases. Identifiers: MedGen C0950123, MeSH D030342.

Allele frequency attached by ClinVar (database versions not stated): ExAC 0.00003; gnomAD exomes 0.00005 and 0.00012; gnomAD 0.00006; TOPMed 0.00006.
gnomAD v4.1: 200 of 1,613,572 alleles (0.012%); highest among the groups gnomAD compares: Non-Finnish European, 0.016%; no homozygotes.

Submissions (2):

Ambry Genetics
Classification: Uncertain significance for Inborn genetic diseases. Last evaluated: 2022-08-06. Review status: criteria provided, single submitter. Criteria: Ambry Variant Classification Scheme 2023. Collection method: clinical testing. Allele origin: germline.

GeneDx
Classification: Uncertain significance. Last evaluated: 2022-06-29. Review status: criteria provided, single submitter. Criteria: GeneDx Variant Classification Process June 2021. Collection method: clinical testing. Allele origin: germline. Affected: yes.
Comment: Not observed at significant frequency in large population cohorts (gnomAD); In silico analysis supports that this missense variant does not alter protein structure/function; Has not been previously published as pathogenic or benign to our knowledge